The following is an entry in ClinVar:

NM_005159.5(ACTC1):c.695C>T (p.Ala232Val)

Genes: GJD2-DT (GJD2 divergent transcript; plus strand), ACTC1 (actin alpha cardiac muscle 1; minus strand). Cytogenetic location: 15q14.
Variant type: single nucleotide variant.
Coding change: c.695C>T on transcript NM_005159.5 (MANE Select); coding-DNA position 695, C replaced by T.
Protein change: p.Ala232Val; replaces alanine 232 with valine.
Molecular consequence: missense variant.
Genome position (GRCh38, 1-based): chr15:34,792,203, G>A on the plus strand (C>T on the coding strand, the complement: ACTC1 is on the minus strand). VCF-style: chr15-34792203-G-A. GRCh37 (hg19) VCF-style: chr15-35084404-G-A.
Other names: p.A232V:GCT>GTT; c.695C>T (LRG_388t1); short protein forms A232V.
Identifiers: ClinVar variation 180761 (VCV000180761.7), dbSNP rs730880396, ClinGen allele CA019874.

ClinVar aggregate classification (germline): Uncertain significance. Review status: criteria provided, multiple submitters, no conflicts (2 of 4 stars). 2 submissions from 2 submitters: Uncertain significance (2). Last evaluated 2025-03-16.

Conditions:
Atrial septal defect 5 (ASD5). Identifiers: Orphanet 1478, MedGen C2748552, MONDO:0013011, OMIM 612794.
Dilated cardiomyopathy 1R (CMD1R). Identifiers: Orphanet 154, Orphanet 54260, MedGen C3150681, MONDO:0013261, OMIM 613424.
Hypertrophic cardiomyopathy 11. Also called: ACTC1-Related Familial Hypertrophic Cardiomyopathy. Identifiers: MedGen C2677506, MONDO:0012799, OMIM 612098.

Submissions (2):

Labcorp Genetics (formerly Invitae), Labcorp
Classification: Uncertain significance for Dilated cardiomyopathy 1R; Hypertrophic cardiomyopathy 11; Atrial septal defect 5. Last evaluated: 2025-03-16. Review status: criteria provided, single submitter. Criteria: Invitae Variant Classification Sherloc (09022015). Collection method: clinical testing. Allele origin: germline.
Comment: This sequence change replaces alanine, which is neutral and non-polar, with valine, which is neutral and non-polar, at codon 232 of the ACTC1 protein (p.Ala232Val). This variant is not present in population databases (gnomAD no frequency). This missense change has been observed in individuals with hypertrophic cardiomyopathy (PMID: 12860912, 25524337). This variant is also known as A230V. ClinVar contains an entry for this variant (Variation ID: 180761). Invitae Evidence Modeling of protein sequence and biophysical properties (such as structural, functional, and spatial information, amino acid conservation, physicochemical variation, residue mobility, and thermodynamic stability) indicates that this missense variant is not expected to disrupt ACTC1 protein function with a negative predictive value of 80%. Experimental studies are conflicting or provide insufficient evidence to determine the effect of this variant on ACTC1 function (PMID: 24736382). In summary, the available evidence is currently insufficient to determine the role of this variant in disease. Therefore, it has been classified as a Variant of Uncertain Significance.

GeneDx
Classification: Uncertain significance. Last evaluated: 2019-08-01. Review status: criteria provided, single submitter. Criteria: GeneDx Variant Classification Process June 2021. Collection method: clinical testing. Allele origin: germline. Affected: yes.
Comment: Has been previously reported in at least three unrelated individuals in association with HCM (Van Driest et al., 2003; Coppini et al., 2014), and in individuals referred for cardiomyopathy testing at GeneDx; Not observed in large population cohorts (Lek et al., 2016); In silico binding studies have shown that ACTC1 protein harboring A232V (denoted A230V in this study), does not significantly impact its interaction with the N-terminal domain of the MYBPC3 protein compared to wild-type ACTC1 protein (Chow et al., 2014); In silico analysis, which includes protein predictors and evolutionary conservation, supports a deleterious effect; This variant is associated with the following publications: (PMID: 24736382, 12860912, 25524337, 28491642)

Literature cited by the submitters: PubMed 12860912 (cited by Labcorp Genetics (formerly Invitae), Labcorp); PubMed 25524337 (cited by Labcorp Genetics (formerly Invitae), Labcorp); PubMed 24736382 (cited by Labcorp Genetics (formerly Invitae), Labcorp).